The following is an entry in ClinVar:

ClinVar aggregate classification (germline): Uncertain significance. Review status: criteria provided, multiple submitters, no conflicts (2 of 4 stars). 3 submissions from 3 submitters: Uncertain significance (3). Last evaluated 2024-11-12.

Conditions:
Inborn genetic diseases. Identifiers: MedGen C0950123, MeSH D030342.

Allele frequency attached by ClinVar (database versions not stated): gnomAD exomes 0.00001 and 0.00002; gnomAD 0.00002 and 0.00003.
gnomAD v4.1: 20 of 1,551,408 alleles (0.0013%); highest among the groups gnomAD compares: South Asian, 0.0012%; no homozygotes.

Submissions (3):

Ambry Genetics
Classification: Uncertain significance for Inborn genetic diseases. Last evaluated: 2024-11-12. Review status: criteria provided, single submitter. Criteria: Ambry Variant Classification Scheme 2023. Collection method: clinical testing. Allele origin: germline.

Blueprint Genetics
Classification: Uncertain significance. Last evaluated: 2023-11-24. Review status: criteria provided, single submitter. Criteria: ACMG Guidelines, 2015. Collection method: clinical testing. Allele origin: germline.

Labcorp Genetics (formerly Invitae), Labcorp
Classification: Uncertain significance. Last evaluated: 2022-02-22. Review status: criteria provided, single submitter. Criteria: Invitae Variant Classification Sherloc (09022015). Collection method: clinical testing. Allele origin: germline.
Comment: This sequence change replaces arginine, which is basic and polar, with cysteine, which is neutral and slightly polar, at codon 1030 of the UNC80 protein (p.Arg1030Cys). This variant is present in population databases (no rsID available, gnomAD 0.01%). This variant has not been reported in the literature in individuals affected with UNC80-related conditions. Algorithms developed to predict the effect of missense changes on protein structure and function are either unavailable or do not agree on the potential impact of this missense change (SIFT: "Not Available"; PolyPhen-2: "Probably Damaging"; Align-GVGD: "Not Available"). In summary, the available evidence is currently insufficient to determine the role of this variant in disease. Therefore, it has been classified as a Variant of Uncertain Significance.

NM_001371986.1(UNC80):c.3088C>T (p.Arg1030Cys)

Gene: UNC80 (unc-80 subunit of NALCN channel complex; plus strand). Cytogenetic location: 2q34.
Variant type: single nucleotide variant.
Coding change: c.3088C>T on transcript NM_001371986.1 (MANE Select); coding-DNA position 3088, C replaced by T.
Protein change: p.Arg1030Cys; replaces arginine 1030 with cysteine.
Molecular consequence: missense variant.
Genome position (GRCh38, 1-based): chr2:209,839,268, C>T. VCF-style: chr2-209839268-C-T. GRCh37 (hg19) VCF-style: chr2-210703992-C-T.
Other names: c.3088C>T (NM_032504.1); c.3088C>T, p.Arg1030Cys (NM_032504.2); c.3073C>T, p.Arg1025Cys (NM_182587.4); short protein forms R1025C, R1030C.
Identifiers: ClinVar variation 1353624 (VCV001353624.7), dbSNP rs1322289311, ClinGen allele CA350412151.